The following is an entry in ClinVar:

NM_020964.3(EPG5):c.5560A>T (p.Thr1854Ser)

Gene: EPG5 (ectopic P-granules 5 autophagy tethering factor; minus strand). Cytogenetic location: 18q12.3.
Variant type: single nucleotide variant.
Coding change: c.5560A>T on transcript NM_020964.3 (MANE Select); coding-DNA position 5560, A replaced by T.
Protein change: p.Thr1854Ser; replaces threonine 1854 with serine.
Molecular consequence: missense variant.
Genome position (GRCh38, 1-based): chr18:45,880,182, T>A on the plus strand (A>T on the coding strand, the complement: EPG5 is on the minus strand). VCF-style: chr18-45880182-T-A. GRCh37 (hg19) VCF-style: chr18-43460147-T-A.
Other names: c.5560A>T, p.Thr1854Ser (LRG_1234t1); short protein forms T1854S.
Identifiers: ClinVar variation 644598 (VCV000644598.11), dbSNP rs758263741, ClinGen allele CA8948558.

ClinVar aggregate classification (germline): Uncertain significance. Review status: criteria provided, multiple submitters, no conflicts (2 of 4 stars). 3 submissions from 3 submitters: Uncertain significance (3). Last evaluated 2026-03-19.

Conditions:
Inborn genetic diseases. Identifiers: MedGen C0950123, MeSH D030342.
Vici syndrome (VICIS). Identifiers: Orphanet 1493, MedGen C1855772, MONDO:0009452, OMIM 242840.

Allele frequency attached by ClinVar (database versions not stated): gnomAD 0.00001; gnomAD exomes 0.00003 and 0.00006; TOPMed 0.00003; ExAC 0.00009.

Submissions (3):

Ambry Genetics
Classification: Uncertain significance for Inborn genetic diseases. Last evaluated: 2026-03-19. Review status: criteria provided, single submitter. Criteria: Ambry Variant Classification Scheme 2023. Collection method: clinical testing. Allele origin: germline.
Comment: The c.5560A>T (p.T1854S) alteration is located in exon 32 (coding exon 32) of the EPG5 gene. This alteration results from a A to T substitution at nucleotide position 5560, causing the threonine (T) at amino acid position 1854 to be replaced by a serine (S). Based on data from gnomAD, the T allele has an overall frequency of 0.006% (15/241906) total alleles studied. The highest observed frequency was 0.044% (15/34086) of Latino alleles. Based on insufficient or conflicting evidence, the clinical significance of this alteration remains unclear.

Labcorp Genetics (formerly Invitae), Labcorp
Classification: Uncertain significance for Vici syndrome. Last evaluated: 2025-10-21. Review status: criteria provided, single submitter. Criteria: Invitae Variant Classification Sherloc (09022015). Collection method: clinical testing. Allele origin: germline.
Comment: This sequence change replaces threonine, which is neutral and polar, with serine, which is neutral and polar, at codon 1854 of the EPG5 protein (p.Thr1854Ser). This variant is present in population databases (rs758263741, gnomAD 0.04%). This variant has not been reported in the literature in individuals affected with EPG5-related conditions. ClinVar contains an entry for this variant (Variation ID: 644598). Invitae Evidence Modeling of protein sequence and biophysical properties (such as structural, functional, and spatial information, amino acid conservation, physicochemical variation, residue mobility, and thermodynamic stability) indicates that this missense variant is not expected to disrupt EPG5 protein function with a negative predictive value of 80%. In summary, the available evidence is currently insufficient to determine the role of this variant in disease. Therefore, it has been classified as a Variant of Uncertain Significance.

Blueprint Genetics
Classification: Uncertain significance. Last evaluated: 2022-03-10. Review status: criteria provided, single submitter. Criteria: ACMG Guidelines, 2015. Collection method: clinical testing. Allele origin: germline.